The following is an entry in ClinVar:

NM_001145809.2(MYH14):c.95G>A (p.Arg32His)

Gene: MYH14 (myosin heavy chain 14; plus strand). Cytogenetic location: 19q13.33.
Variant type: single nucleotide variant.
Coding change: c.95G>A on transcript NM_001145809.2 (MANE Select); coding-DNA position 95, G replaced by A.
Protein change: p.Arg32His; replaces arginine 32 with histidine.
Molecular consequence: missense variant.
Genome position (GRCh38, 1-based): chr19:50,210,460, G>A. VCF-style: chr19-50210460-G-A. GRCh37 (hg19) VCF-style: chr19-50713717-G-A.
Other names: c.95G>A, p.Arg32His (NM_001077186.2, NM_024729.4); short protein forms R32H.
Identifiers: ClinVar variation 2129989 (VCV002129989.4), dbSNP rs942607311, ClinGen allele CA309565327.

ClinVar aggregate classification (germline): Uncertain significance (1 of 4 stars; one submission).

Allele frequency attached by ClinVar (database versions not stated): gnomAD exomes below 0.00001; gnomAD 0.00001.
gnomAD v4.1: 3 of 1,547,096 alleles (0.00019%); highest among the groups gnomAD compares: East Asian, 0.0025%; no homozygotes.

Submission:

Labcorp Genetics (formerly Invitae), Labcorp
Classification: Uncertain significance. Last evaluated: 2022-04-24. Review status: criteria provided, single submitter. Criteria: Invitae Variant Classification Sherloc (09022015). Collection method: clinical testing. Allele origin: germline.
Comment: This sequence change replaces arginine, which is basic and polar, with histidine, which is basic and polar, at codon 32 of the MYH14 protein (p.Arg32His). The frequency data for this variant in the population databases is considered unreliable, as metrics indicate poor data quality at this position in the gnomAD database. This variant has not been reported in the literature in individuals affected with MYH14-related conditions. Algorithms developed to predict the effect of missense changes on protein structure and function output the following: SIFT: "Deleterious"; PolyPhen-2: "Benign"; Align-GVGD: "Class C0". The histidine amino acid residue is found in multiple mammalian species, which suggests that this missense change does not adversely affect protein function. In summary, the available evidence is currently insufficient to determine the role of this variant in disease. Therefore, it has been classified as a Variant of Uncertain Significance.